The following is an entry in ClinVar:

NM_003238.6(TGFB2):c.338C>T (p.Pro113Leu)

Gene: TGFB2 (transforming growth factor beta 2; plus strand). Cytogenetic location: 1q41.
Variant type: single nucleotide variant.
Coding change: c.338C>T on transcript NM_003238.6 (MANE Select); coding-DNA position 338, C replaced by T.
Protein change: p.Pro113Leu; replaces proline 113 with leucine.
Molecular consequence: missense variant. On other transcripts: non-coding transcript variant (2).
Genome position (GRCh38, 1-based): chr1:218,347,039, C>T. VCF-style: chr1-218347039-C-T. GRCh37 (hg19) VCF-style: chr1-218520381-C-T.
Other names: c.338C>T, p.Pro113Leu (NM_001135599.4); short protein forms P113L.
Identifiers: ClinVar variation 392780 (VCV000392780.2), dbSNP rs1057524627, ClinGen allele CA16603487.

ClinVar aggregate classification (germline): Uncertain significance (1 of 4 stars; one submission).

Allele frequency attached by ClinVar (database versions not stated): TOPMed 0.00001; gnomAD exomes 0.00001.
gnomAD v4.1: 12 of 1,580,804 alleles (0.00076%); highest among the groups gnomAD compares: East Asian, 0.018%; no homozygotes.

Submission:

GeneDx
Classification: Uncertain significance. Last evaluated: 2017-01-16. Review status: criteria provided, single submitter. Criteria: GeneDx Variant Classification (06012015). Collection method: clinical testing. Allele origin: germline. Affected: yes.
Comment: A variant of uncertain significance has been identified in the TGFB2 gene. The P113L variant has not been published as a pathogenic variant, nor has it been reported as a benign variant to our knowledge. P113L was not observed in approximately 6,500 individuals of European and African American ancestry in the NHLBI Exome Sequencing Project, nor was it observed in the Exome Aggregation Consortium, indicating it is not a common benign variant in these populations. The P113L variant is a semi-conservative amino acid substitution, which may impact secondary protein structure as these residues differ in some properties. Moreover, in silico analysis predicts this variant is probably damaging to the protein structure/function. Nevertheless, this substitution occurs at a position that is not conserved, and no pathogenic missense variants in nearby residues have been reported in the Human Gene Mutation Database (Stenson et al., 2014), indicating that this region of the gene is not known to harbor disease-causing variants.